The following is an entry in ClinVar:

ClinVar aggregate classification (germline): Uncertain significance (1 of 4 stars; one submission).

Conditions:
Inborn genetic diseases. Identifiers: MedGen C0950123, MeSH D030342.

Allele frequency attached by ClinVar (database versions not stated): ExAC 0.00002; gnomAD exomes 0.00002; gnomAD 0.00003; TOPMed 0.00008.
gnomAD v4.1: 35 of 1,613,774 alleles (0.0022%); highest among the groups gnomAD compares: South Asian, 0.024%; no homozygotes.

Submissions (2):

Ambry Genetics
Classification: Uncertain significance for Inborn genetic diseases. Last evaluated: 2025-11-13. Review status: criteria provided, single submitter. Criteria: Ambry Variant Classification Scheme 2023. Collection method: clinical testing. Allele origin: germline.
Comment: The c.175+5G>A intronic alteration consists of a G to A substitution nucleotides after coding exon 2 in the TNPO2 gene. Based on data from gnomAD, the A allele has an overall frequency of 0.002% (5/249224) total alleles studied. The highest observed frequency was 0.016% (5/30598) of South Asian alleles. Based on insufficient or conflicting evidence, the clinical significance of this alteration remains unclear.

Dr. Peter K. Rogan Lab, Western University
No classification provided (evidence only). Condition: Gastric cancer. Review status: no classification provided. Collection method: in vitro. Allele origin: not applicable. Functional consequence: retained intron. Not counted in ClinVar's aggregate classification.

NM_001382241.1(TNPO2):c.175+5G>A

Gene: TNPO2 (transportin 2; minus strand). Cytogenetic location: 19p13.13.
Variant type: single nucleotide variant.
Coding change: c.175+5G>A on transcript NM_001382241.1 (MANE Select); 5 bases into the intron after coding-DNA position 175, G replaced by A.
Molecular consequence: intron variant.
Genome position (GRCh38, 1-based): chr19:12,719,256, C>T on the plus strand (G>A on the coding strand, the complement: TNPO2 is on the minus strand). VCF-style: chr19-12719256-C-T. GRCh37 (hg19) VCF-style: chr19-12830070-C-T.
Other names: NC_000019.9:g.12830070C>T; c.175+5G>A (NM_001382237.1, NM_001382240.1, NM_001382238.1 and 7 more transcripts).
Identifiers: ClinVar variation 2227465 (VCV002227465.3), dbSNP rs766129993, ClinGen allele CA9229416.